The following is an entry in ClinVar:

ClinVar aggregate classification (germline): Uncertain significance (1 of 4 stars; one submission).

gnomAD v4.1: 2 of 1,547,226 alleles (0.00013%); highest among the groups gnomAD compares: Non-Finnish European, 0.000087%; no homozygotes.

Submission:

Ambry Genetics
Classification: Uncertain significance. Last evaluated: 2026-08-11. Review status: criteria provided, single submitter. Criteria: Ambry Variant Classification Scheme 2023. Collection method: clinical testing. Allele origin: germline.
Comment: The p.P139R variant (also known as c.416C>G), located in coding exon 1 of the WNK2 gene, results from a C to G substitution at nucleotide position 416. The proline at codon 139 is replaced by arginine, an amino acid with dissimilar properties. This amino acid position is conserved. In addition, this alteration is predicted to be tolerated by in silico analysis. Based on the available evidence, the clinical significance of this variant remains unclear.

NM_006648.4(WNK2):c.416C>G (p.Pro139Arg)

Gene: WNK2 (WNK lysine deficient protein kinase 2; plus strand). Cytogenetic location: 9q22.31.
Variant type: single nucleotide variant.
Coding change: c.416C>G on transcript NM_006648.4 (MANE Select); coding-DNA position 416, C replaced by G.
Protein change: p.Pro139Arg; replaces proline 139 with arginine.
Molecular consequence: missense variant.
Genome position (GRCh38, 1-based): chr9:93,185,345, C>G. VCF-style: chr9-93185345-C-G. GRCh37 (hg19) VCF-style: chr9-95947627-C-G.
Other names: c.416C>G, p.Pro139Arg (NM_001282394.3); short protein forms P139R.
Identifiers: ClinVar variation 5031923 (VCV005031923.1).